The following is an entry in ClinVar:

NM_004453.4(ETFDH):c.1832G>A (p.Gly611Glu)

Gene: ETFDH (electron transfer flavoprotein dehydrogenase; plus strand). Cytogenetic location: 4q32.1.
Variant type: single nucleotide variant.
Coding change: c.1832G>A on transcript NM_004453.4 (MANE Select); coding-DNA position 1832, G replaced by A.
Protein change: p.Gly611Glu; replaces glycine 611 with glutamic acid.
Molecular consequence: missense variant.
Genome position (GRCh38, 1-based): chr4:158,708,505, G>A. VCF-style: chr4-158708505-G-A. GRCh37 (hg19) VCF-style: chr4-159629657-G-A.
Other names: c.1691G>A, p.Gly564Glu (NM_001281737.2); c.1649G>A, p.Gly550Glu (NM_001281738.1); short protein forms G611E, G564E, G550E.
Identifiers: ClinVar variation 265124 (VCV000265124.21), dbSNP rs761669036, ClinGen allele CA3122732.

ClinVar aggregate classification (germline): Pathogenic/Likely pathogenic. Review status: criteria provided, multiple submitters, no conflicts (2 of 4 stars). 7 submissions from 7 submitters: Pathogenic (2); Likely pathogenic (4). 1 of the submissions does not count toward it. Last evaluated 2025-11-15.

Conditions:
Glutaric acidemia type 2C.
ETFDH-related disorder. Also called: ETFDH-related condition.
Multiple acyl-CoA dehydrogenase deficiency (MADD). Also called: Glutaric aciduria, type 2; Glutaric Acidemia type 2; Glutaric acidemia type II; GA 2; ETHYLMALONIC-ADIPICACIDURIA; GA II. Identifiers: Orphanet 26791, MedGen C0268596, MONDO:0009282, OMIM 231680.

Allele frequency attached by ClinVar (database versions not stated): ExAC 0.00002; gnomAD 0.00002; gnomAD exomes 0.00002 and 0.00003; TOPMed 0.00003.
gnomAD v4.1: 12 of 1,613,630 alleles (0.00074%); highest among the groups gnomAD compares: Admixed American, 0.02%; no homozygotes.

Submissions (7):

Labcorp Genetics (formerly Invitae), Labcorp
Classification: Pathogenic for Multiple acyl-CoA dehydrogenase deficiency. Last evaluated: 2025-11-15. Review status: criteria provided, single submitter. Criteria: Invitae Variant Classification Sherloc (09022015). Collection method: clinical testing. Allele origin: germline.
Comment: This sequence change replaces glycine, which is neutral and non-polar, with glutamic acid, which is acidic and polar, at codon 611 of the ETFDH protein (p.Gly611Glu). This variant is present in population databases (rs761669036, gnomAD 0.02%). This missense change has been observed in individual(s) with glutaric acidemia type II (PMID: 12359134; internal data). ClinVar contains an entry for this variant (Variation ID: 265124). Invitae Evidence Modeling of protein sequence and biophysical properties (such as structural, functional, and spatial information, amino acid conservation, physicochemical variation, residue mobility, and thermodynamic stability) indicates that this missense variant is expected to disrupt ETFDH protein function with a positive predictive value of 80%. This variant disrupts the p.Gly611 amino acid residue in ETFDH. Other variant(s) that disrupt this residue have been determined to be pathogenic (PMID: 20138856). This suggests that this residue is clinically significant, and that variants that disrupt this residue are likely to be disease-causing. For these reasons, this variant has been classified as Pathogenic.

Natera, Inc.
Classification: Likely pathogenic for Glutaric acidemia type 2C. Last evaluated: 2025-07-28. Review status: criteria provided, single submitter. Criteria: Natera Variant Classification Schema (03/2026). Collection method: clinical testing. Allele origin: germline.
Comment: The c.1832G>A variant in ETFDH is a missense variant predicted to cause substitution of glycine to glutamic acid at amino acid 611. This variant is rare in the general population with a frequency below the threshold expected for the associated phenotype(s). This variant has been observed in one or more individuals affected with the associated recessive disease, as either homozygous or compound heterozygous with a second variant (PMID: 37510298, 12359134). This variant has been identified in one or more affected individuals with a phenotype highly consistent with the associated gene (PMID: 37510298, 12359134). Computational prediction algorithms indicate this variant is likely to affect gene or protein function. Given the available evidence, this variant is classified as Likely Pathogenic.

3billion
Classification: Likely pathogenic for Multiple acyl-CoA dehydrogenase deficiency. Last evaluated: 2024-09-12. Review status: criteria provided, single submitter. Criteria: ACMG Guidelines, 2015. Collection method: clinical testing. Allele origin: germline. Affected: yes.
Comment: The variant is observed at an extremely low frequency in the gnomAD v4.0.0 dataset (total allele frequency: <0.001%). Predicted Consequence/Location: Missense variant In silico tool predictions suggest damaging effect of the variant on gene or gene product [REVEL: 0.80 (>=0.6, sensitivity 0.68 and specificity 0.92); 3Cnet: 0.99 (>=0.6, sensitivity 0.72 and precision 0.9)]. The same nucleotide change resulting in the same amino acid change has been previously reported as pathogenic/likely pathogenic with strong evidence (ClinVar ID: VCV000265124 /PMID: 12359134). A different missense change at the same codon (p.Gly611Arg) has been reported as pathogenic/likely pathogenic with strong evidence (ClinVar ID: VCV002627189 /PMID: 20138856). Therefore, this variant is classified as Likely pathogenic according to the recommendation of ACMG/AMP guideline.

Baylor Genetics
Classification: Likely pathogenic for Multiple acyl-CoA dehydrogenase deficiency. Last evaluated: 2024-02-29. Review status: criteria provided, single submitter. Criteria: ACMG Guidelines, 2015. Collection method: clinical testing. Allele origin: unknown.

Women's Health and Genetics/Laboratory Corporation of America, LabCorp
Classification: Pathogenic for Multiple acyl-CoA dehydrogenase deficiency. Last evaluated: 2023-12-04. Review status: criteria provided, single submitter. Criteria: LabCorp Variant Classification Summary - May 2015. Collection method: clinical testing. Allele origin: germline.
Comment: Variant summary: ETFDH c.1832G>A (p.Gly611Glu) results in a non-conservative amino acid change located in the ETF-QO/FixX, C-terminal domain (IPR007859) of the encoded protein sequence. Five of five in-silico tools predict a damaging effect of the variant on protein function. The variant allele was found at a frequency of 2.8e-05 in 251380 control chromosomes. c.1832G>A has been reported in the literature in multiple individuals affected with biochemically confirmed features of Glutaric Aciduria, Type 2c (example, Goodman_2002, Adhikari_2020). These data indicate that the variant is very likely to be associated with disease. To our knowledge, no experimental evidence demonstrating an impact on protein function has been reported. Additionally, a different missense variant affecting the same amino acid, c.1831G>A (p.Glu611Arg), has been reported in individuals affected with Glutaric Aciduria, Type 2 supporting the functional relevance of this residue to ETFDH function. The following publications have been ascertained in the context of this evaluation (PMID: 32778825, 12359134). Three submitters have cited clinical-significance assessments for this variant to ClinVar after 2014. All submitters classified the variant as pathogenic/likely pathogenic. Based on the evidence outlined above, the variant was classified as pathogenic.

GeneDx
Classification: Likely pathogenic. Last evaluated: 2023-05-05. Review status: criteria provided, single submitter. Criteria: GeneDx Variant Classification Process June 2021. Collection method: clinical testing. Allele origin: germline. Affected: yes.
Comment: In silico analysis, which includes protein predictors and evolutionary conservation, supports a deleterious effect; This variant is associated with the following publications: (PMID: 20138856, 12359134, 32778825)

PreventionGenetics, part of Exact Sciences
Classification: Likely pathogenic for ETFDH-related condition. Last evaluated: 2024-08-08. Review status: no assertion criteria provided. Collection method: clinical testing. Allele origin: germline. Not counted in ClinVar's aggregate classification.
Comment: The ETFDH c.1832G>A variant is predicted to result in the amino acid substitution p.Gly611Glu. This variant has been reported in the homozygous state in multiple individuals with multiple acyl-CoA dehydrogenase deficiency (Goodman et al. 2002. PubMed ID: 12359134). This variant was also observed along with a causative ETFDH variant in an adult with myopathy (Invernizzi et al. 2023. PubMed ID: 37510298). An alternate missense change affecting the same amino acid (p.Gly611Arg) has been reported in the compound heterozygous state in two siblings with multiple acyl-CoA dehydrogenase deficiency (Er et al. 2010. PubMed ID: 20138856). This variant is reported in 0.023% of alleles in individuals of Latino descent in gnomAD. This variant is interpreted as likely pathogenic.

Literature cited by the submitters: PubMed 12359134 (cited by 4 submitters); PubMed 20138856 (cited by Labcorp Genetics (formerly Invitae), Labcorp and 3billion); PubMed 37510298 (cited by Natera, Inc.); PubMed 32778825 (cited by Women's Health and Genetics/Laboratory Corporation of America, LabCorp).